The following is an entry in ClinVar:

NM_001943.5(DSG2):c.783T>A (p.Arg261=)

Gene: DSG2 (desmoglein 2; plus strand). Cytogenetic location: 18q12.1.
Variant type: single nucleotide variant.
Coding change: c.783T>A on transcript NM_001943.5 (MANE Select); coding-DNA position 783, T replaced by A.
Protein change: p.Arg261=; no amino-acid change (arginine 261 retained).
Molecular consequence: synonymous variant.
Genome position (GRCh38, 1-based): chr18:31,524,540, T>A. VCF-style: chr18-31524540-T-A. GRCh37 (hg19) VCF-style: chr18-29104503-T-A.
Other names: c.783T>A (LRG_397t1).
Identifiers: ClinVar variation 246651 (VCV000246651.45), dbSNP rs369869320, ClinGen allele CA049892.

ClinVar aggregate classification (germline): Benign/Likely benign. Review status: criteria provided, multiple submitters, no conflicts (2 of 4 stars). 10 submissions from 10 submitters: Benign (1); Likely benign (6). 3 of the submissions do not count toward it. Last evaluated 2026-01-06.

Conditions:
Cardiovascular phenotype. Identifiers: MedGen CN230736.
Arrhythmogenic right ventricular dysplasia 10. Also called: Arrhythmogenic right ventricular dysplasia/cardiomyopathy, type 10; ARRHYTHMOGENIC RIGHT VENTRICULAR DYSPLASIA, FAMILIAL, 10; Arrhythmogenic Right Ventricular Dysplasia/Cardiomyopathy10. Identifiers: MedGen C1857777, MONDO:0012434, OMIM 610193.
Arrhythmogenic right ventricular cardiomyopathy (ARVD). Also called: Arrhythmogenic cardiomyopathy; Cardiomyopathy, ARVC; Arrhythmogenic right ventricular dysplasia; Arrhythmogenic Right Ventricular Cardiomyopathy (ARVC). Identifiers: Orphanet 247, MedGen C0349788, MeSH D019571, MONDO:0016587. Disease mechanism: loss of function. Inheritance: Various modes of inheritance.
Cardiomyopathy (CMYO). Also called: Cardiomyopathies. Identifiers: Orphanet 167848, MedGen C0878544, MONDO:0004994, HP:0001638. Inheritance: Various modes of inheritance.

Allele frequency attached by ClinVar (database versions not stated): ExAC 0.00008; gnomAD exomes 0.00013 and 0.00025; gnomAD 0.00015 and 0.00016; ESP Exome Variant Server 0.00017; TOPMed 0.00018.
gnomAD v4.1: 379 of 1,614,026 alleles (0.023%); highest among the groups gnomAD compares: Non-Finnish European, 0.031%; no homozygotes.

Submissions (10):

Labcorp Genetics (formerly Invitae), Labcorp
Classification: Likely benign for Arrhythmogenic right ventricular dysplasia 10. Last evaluated: 2026-01-06. Review status: criteria provided, single submitter. Criteria: Invitae Variant Classification Sherloc (09022015). Collection method: clinical testing. Allele origin: germline.

Blueprint Genetics
Classification: Likely benign. Last evaluated: 2024-02-23. Review status: criteria provided, single submitter. Criteria: ACMG Guidelines, 2015. Collection method: clinical testing. Allele origin: germline.

All of Us Research Program, National Institutes of Health
Classification: Likely benign for Arrhythmogenic right ventricular cardiomyopathy. Last evaluated: 2024-02-05. Review status: criteria provided, single submitter. Criteria: ACMG Guidelines, 2015. Collection method: clinical testing. Allele origin: germline. Inheritance: Autosomal dominant inheritance. Observed: 42 variant alleles, 42 heterozygotes.
Comment: This study involves interpretation of variants in research participants for the purpose of population health screening. Participant phenotype was not available at the time of variant classification. Additional details can be found in publication PMID: 35346344, PMCID: PMC8962531

CeGaT Center for Human Genetics Tuebingen
Classification: Likely benign. Last evaluated: 2024-02-01. Review status: criteria provided, single submitter. Criteria: CeGaT Center For Human Genetics Tuebingen Variant Classification Criteria Version 2. Collection method: clinical testing. Allele origin: germline. Affected: yes. Observed: 1 variant allele.
Comment: DSG2: BP4, BP7

Color Diagnostics, LLC DBA Color Health
Classification: Likely benign for Cardiomyopathy. Last evaluated: 2019-02-21. Review status: criteria provided, single submitter. Criteria: ACMG Guidelines, 2015. Collection method: clinical testing. Allele origin: germline.

Ambry Genetics
Classification: Likely benign for Cardiovascular phenotype. Last evaluated: 2018-06-13. Review status: criteria provided, single submitter. Criteria: Ambry Variant Classification Scheme 2023. Collection method: clinical testing. Allele origin: germline.

GeneDx
Classification: Benign. Last evaluated: 2015-03-03. Review status: criteria provided, single submitter. Criteria: GeneDx Variant Classification Process June 2021. Collection method: clinical testing. Allele origin: germline. Affected: yes.

Clinical Genetics, Academic Medical Center
Classification: Benign. Review status: no assertion criteria provided. Collection method: clinical testing. Allele origin: germline. Affected: yes. Study: VKGL Data-share Consensus. Not counted in ClinVar's aggregate classification.

Genome Diagnostics Laboratory, University Medical Center Utrecht
Classification: Benign. Review status: no assertion criteria provided. Collection method: clinical testing. Allele origin: germline. Affected: yes. Study: VKGL Data-share Consensus. Not counted in ClinVar's aggregate classification.

Joint Genome Diagnostic Labs from Nijmegen and Maastricht, Radboudumc and MUMC+
Classification: Likely benign. Review status: no assertion criteria provided. Collection method: clinical testing. Allele origin: germline. Affected: yes. Study: VKGL Data-share Consensus. Not counted in ClinVar's aggregate classification.